The following is an entry in ClinVar:

ClinVar aggregate classification (germline): Uncertain significance (1 of 4 stars; one submission).

Conditions:
Aortic aneurysm, familial thoracic 7 (AAT7). Also called: AORTIC DISSECTION, FAMILIAL, WITH OR WITHOUT AORTIC ANEURYSM. Identifiers: MedGen C3151077, MONDO:0013418, OMIM 613780.

Allele frequency attached by ClinVar (database versions not stated): gnomAD exomes below 0.00001 and 0.00002; ExAC 0.00002; TOPMed 0.00004; gnomAD 0.00005 and 0.00006; ESP Exome Variant Server 0.00023.
gnomAD v4.1: 14 of 1,614,068 alleles (0.00087%); highest among the groups gnomAD compares: African/African-American, 0.019%; no homozygotes.

Submission:

Labcorp Genetics (formerly Invitae), Labcorp
Classification: Uncertain significance for Aortic aneurysm, familial thoracic 7. Last evaluated: 2024-02-17. Review status: criteria provided, single submitter. Criteria: Invitae Variant Classification Sherloc (09022015). Collection method: clinical testing. Allele origin: germline.
Comment: This sequence change replaces aspartic acid, which is acidic and polar, with glycine, which is neutral and non-polar, at codon 82 of the MYLK protein (p.Asp82Gly). This variant is present in population databases (rs145163155, gnomAD 0.02%). This missense change has been observed in individual(s) with clinical features of MYLK-related conditions (Invitae). ClinVar contains an entry for this variant (Variation ID: 1500653). Advanced modeling of protein sequence and biophysical properties (such as structural, functional, and spatial information, amino acid conservation, physicochemical variation, residue mobility, and thermodynamic stability) performed at Invitae indicates that this missense variant is not expected to disrupt MYLK protein function with a negative predictive value of 95%. In summary, the available evidence is currently insufficient to determine the role of this variant in disease. Therefore, it has been classified as a Variant of Uncertain Significance.

NM_053025.4(MYLK):c.245A>G (p.Asp82Gly)

Gene: MYLK (myosin light chain kinase; minus strand). Cytogenetic location: 3q21.1.
Variant type: single nucleotide variant.
Coding change: c.245A>G on transcript NM_053025.4 (MANE Select); coding-DNA position 245, A replaced by G.
Protein change: p.Asp82Gly; replaces aspartic acid 82 with glycine.
Molecular consequence: missense variant. On other transcripts: intron variant (1).
Genome position (GRCh38, 1-based): chr3:123,752,459, T>C on the plus strand (A>G on the coding strand, the complement: MYLK is on the minus strand). VCF-style: chr3-123752459-T-C. GRCh37 (hg19) VCF-style: chr3-123471306-T-C.
Other names: c.245A>G, p.Asp82Gly (NM_053026.4, NM_053027.4, NM_053028.4); c.-155-12458A>G (NM_001321309.2); short protein forms D82G.
Identifiers: ClinVar variation 1500653 (VCV001500653.7), dbSNP rs145163155, ClinGen allele CA068857.